The following is an entry in ClinVar:

ClinVar aggregate classification (germline): Conflicting classifications of pathogenicity. Review status: criteria provided, conflicting classifications (1 of 4 stars). 13 submissions from 11 submitters: Uncertain significance (2); Benign (1); Likely benign (10). Last evaluated 2026-06-01.

Conditions:
Myosin storage myopathy (CMYO7A). Also called: MYOPATHY WITH LYSIS OF TYPE I MYOFIBRILS; MYOPATHY, HYALINE BODY, AUTOSOMAL DOMINANT; SCAPULOPERONEAL MUSCULAR DYSTROPHY; SCAPULOPERONEAL SYNDROME, MYOPATHIC TYPE; MYH7-related late-onset scapuloperoneal muscular dystrophy; Congenital myopathy 7A, myosin storage, autosomal dominant. Identifiers: Orphanet 437572, Orphanet 636965, MedGen C1842160, MONDO:0008409, OMIM 608358.
Cardiovascular phenotype. Identifiers: MedGen CN230736.
Cardiomyopathy (CMYO). Also called: Cardiomyopathies. Identifiers: Orphanet 167848, MedGen C0878544, MONDO:0004994, HP:0001638. Inheritance: Various modes of inheritance.
MYH7-related skeletal myopathy. Also called: Myopathy, distal, 1; Laing distal myopathy; MYOPATHY, DISTAL, EARLY-ONSET, AUTOSOMAL DOMINANT; MYOPATHY, LATE DISTAL HEREDITARY; Laing early-onset distal myopathy. Identifiers: Orphanet 59135, MedGen C4552004, MONDO:0008050, OMIM 160500.
Hypertrophic cardiomyopathy 1 (CMH1). Also called: Familial hypertrophic cardiomyopathy 1; MYH7-Related Familial Hypertrophic Cardiomyopathy. Identifiers: MedGen C3495498, MONDO:0008647, OMIM 192600.
Hypertrophic cardiomyopathy. Also called: HYPERTROPHIC MYOCARDIOPATHY. Identifiers: Orphanet 217569, MedGen C0007194, MeSH D002312, MONDO:0005045, HP:0001639.

Allele frequency attached by ClinVar (database versions not stated): ExAC 0.00007; gnomAD exomes 0.00009; TOPMed 0.00011; gnomAD 0.00015 and 0.00016; ESP Exome Variant Server 0.00038.
gnomAD v4.1: 420 of 1,614,150 alleles (0.026%); highest among the groups gnomAD compares: Non-Finnish European, 0.033%; no homozygotes.

Submissions (13):

CeGaT Center for Human Genetics Tuebingen
Classification: Likely benign. Last evaluated: 2026-06-01. Review status: criteria provided, single submitter. Criteria: CeGaT Center For Human Genetics Tuebingen Variant Classification Criteria Version 2. Collection method: clinical testing. Allele origin: germline. Affected: yes. Observed: 2 variant alleles.
Comment: MYH7: BP4, BP7

Labcorp Genetics (formerly Invitae), Labcorp
Classification: Likely benign for Hypertrophic cardiomyopathy. Last evaluated: 2026-02-01. Review status: criteria provided, single submitter. Criteria: Invitae Variant Classification Sherloc (09022015). Collection method: clinical testing. Allele origin: germline.

Molecular Diagnostic Laboratory for Inherited Cardiovascular Disease, Montreal Heart Institute
Classification: Likely benign. Last evaluated: 2025-04-09. Review status: criteria provided, single submitter. Criteria: ACMG Guidelines, 2015. Collection method: clinical testing. Allele origin: germline. Affected: no.

Blueprint Genetics
Classification: Likely benign. Last evaluated: 2024-11-19. Review status: criteria provided, single submitter. Criteria: ACMG Guidelines, 2015. Collection method: clinical testing. Allele origin: germline.

Women's Health and Genetics/Laboratory Corporation of America, LabCorp
Classification: Likely benign. Last evaluated: 2024-05-10. Review status: criteria provided, single submitter. Criteria: LabCorp Variant Classification Summary - May 2015. Collection method: clinical testing. Allele origin: germline.

CHEO Genetics Diagnostic Laboratory, Children's Hospital of Eastern Ontario
Classification: Likely benign for Cardiomyopathy. Last evaluated: 2021-06-28. Review status: criteria provided, single submitter. Criteria: ACMG Guidelines, 2015. Collection method: clinical testing. Allele origin: germline.

Ambry Genetics
Classification: Likely benign for Cardiovascular phenotype. Last evaluated: 2020-09-18. Review status: criteria provided, single submitter. Criteria: Ambry Variant Classification Scheme 2023. Collection method: clinical testing. Allele origin: germline.

Color Diagnostics, LLC DBA Color Health
Classification: Likely benign for Cardiomyopathy. Last evaluated: 2018-11-03. Review status: criteria provided, single submitter. Criteria: ACMG Guidelines, 2015. Collection method: clinical testing. Allele origin: germline.

Illumina Laboratory Services, Illumina
Classification: Uncertain significance for Myosin storage myopathy. Last evaluated: 2018-01-13. Review status: criteria provided, single submitter. Criteria: ICSL Variant Classification Criteria 13 December 2019. Collection method: clinical testing. Allele origin: germline.

Illumina Laboratory Services, Illumina
Classification: Likely benign for MYH7-related skeletal myopathy. Last evaluated: 2018-01-13. Review status: criteria provided, single submitter. Criteria: ICSL Variant Classification Criteria 13 December 2019. Collection method: clinical testing. Allele origin: germline.
Comment: This variant was observed in the ICSL laboratory as part of a predisposition screen in an ostensibly healthy population. It had not been previously curated by ICSL or reported in the Human Gene Mutation Database (HGMD: prior to June 1st, 2018), and was therefore a candidate for classification through an automated scoring system. Utilizing variant allele frequency, disease prevalence and penetrance estimates, and inheritance mode, an automated score was calculated to assess if this variant is too frequent to cause the disease. Based on the score and internal cut-off values, a variant classified as likely benign is not then subjected to further curation. The score for this variant resulted in a classification of likely benign for this disease.

Illumina Laboratory Services, Illumina
Classification: Uncertain significance for Hypertrophic cardiomyopathy 1. Last evaluated: 2018-01-13. Review status: criteria provided, single submitter. Criteria: ICSL Variant Classification Criteria 13 December 2019. Collection method: clinical testing. Allele origin: germline.

GeneDx
Classification: Benign. Last evaluated: 2014-03-24. Review status: criteria provided, single submitter. Criteria: GeneDx Variant Classification (06012015). Collection method: clinical testing. Allele origin: germline. Affected: yes.
Comment: This variant is considered likely benign or benign based on one or more of the following criteria: it is a conservative change, it occurs at a poorly conserved position in the protein, it is predicted to be benign by multiple in silico algorithms, and/or has population frequency not consistent with disease.

Laboratory for Molecular Medicine, Mass General Brigham Personalized Medicine
Classification: Likely benign. Last evaluated: 2013-09-17. Review status: criteria provided, single submitter. Criteria: LMM Criteria. Collection method: clinical testing. Allele origin: germline. Observed: 3 variant alleles.
Comment: p.Ala1906Ala in exon 39 of MYH7: This variant is not expected to have clinical s ignificance because it does not alter an amino acid residue and is not located w ithin the splice consensus sequence. It has been identified in 4/8600 European A merican chromosomes by the NHLBI Exome Sequencing Project (dbSNP rs45523233). Ala1906Ala in exon 39 of MYH7 (rs45523233; all ele frequency = 4/8600) **

NM_000257.4(MYH7):c.5718A>C (p.Ala1906=)

Gene: MYH7 (myosin heavy chain 7; minus strand). Cytogenetic location: 14q11.2.
Variant type: single nucleotide variant.
Coding change: c.5718A>C on transcript NM_000257.4 (MANE Select); coding-DNA position 5718, A replaced by C.
Protein change: p.Ala1906=; no amino-acid change (alanine 1906 retained).
Molecular consequence: synonymous variant.
Genome position (GRCh38, 1-based): chr14:23,413,831, T>G on the plus strand (A>C on the coding strand, the complement: MYH7 is on the minus strand). VCF-style: chr14-23413831-T-G. GRCh37 (hg19) VCF-style: chr14-23883040-T-G.
Other names: p.A1906A:GCA>GCC.
Identifiers: ClinVar variation 43084 (VCV000043084.52), dbSNP rs45523233, ClinGen allele CA016408.